The following is an entry in ClinVar:

NM_001170535.3(ATAD3A):c.19A>C (p.Ile7Leu)

Gene: ATAD3A (ATPase family AAA domain containing 3A; plus strand). Cytogenetic location: 1p36.33.
Variant type: single nucleotide variant.
Coding change: c.19A>C on transcript NM_001170535.3 (MANE Select); coding-DNA position 19, A replaced by C.
Protein change: p.Ile7Leu; replaces isoleucine 7 with leucine.
Molecular consequence: missense variant.
Genome position (GRCh38, 1-based): chr1:1,512,287, A>C. VCF-style: chr1-1512287-A-C. GRCh37 (hg19) VCF-style: chr1-1447667-A-C.
Other names: c.19A>C, p.Ile7Leu (NM_018188.5); short protein forms I7L.
Identifiers: ClinVar variation 1707751 (VCV001707751.2), dbSNP rs201314162, ClinGen allele CA337845075.

ClinVar aggregate classification (germline): Uncertain significance (1 of 4 stars; one submission).

gnomAD v4.1: 1 of 1,251,956 alleles (0.00008%); highest among the groups gnomAD compares: African/African-American, 0.0015%; no homozygotes.

Submission:

GeneDx
Classification: Uncertain significance. Last evaluated: 2022-03-31. Review status: criteria provided, single submitter. Criteria: GeneDx Variant Classification Process June 2021. Collection method: clinical testing. Allele origin: germline. Affected: yes.
Comment: Not observed at significant frequency in large population cohorts (gnomAD); In silico analysis supports that this missense variant does not alter protein structure/function; Has not been previously published as pathogenic or benign to our knowledge